The following is an entry in ClinVar:

NM_000135.4(FANCA):c.1418T>C (p.Leu473Pro)

Gene: FANCA (FA complementation group A; minus strand). Cytogenetic location: 16q24.3.
Variant type: single nucleotide variant.
Coding change: c.1418T>C on transcript NM_000135.4 (MANE Select); coding-DNA position 1418, T replaced by C.
Protein change: p.Leu473Pro; replaces leucine 473 with proline.
Molecular consequence: missense variant.
Genome position (GRCh38, 1-based): chr16:89,784,906, A>G on the plus strand (T>C on the coding strand, the complement: FANCA is on the minus strand). VCF-style: chr16-89784906-A-G. GRCh37 (hg19) VCF-style: chr16-89851314-A-G.
Other names: c.1418T>C, p.Leu473Pro (NM_001286167.3); c.1418T>C (NM_000135.3); short protein forms L473P.
Identifiers: ClinVar variation 2160227 (VCV002160227.5), dbSNP rs2039846247, ClinGen allele CA397459901.

ClinVar aggregate classification (germline): Uncertain significance. Review status: criteria provided, single submitter (1 of 4 stars). 2 submissions from 2 submitters: Uncertain significance (1). 1 of the submissions does not count toward it. Last evaluated 2022-04-04.

Conditions:
Fanconi anemia (FA). Also called: Fanconi's anemia. Identifiers: Orphanet 84, MedGen C0015625, MeSH D005199, MONDO:0019391.

Submissions (2):

Labcorp Genetics (formerly Invitae), Labcorp
Classification: Uncertain significance for Fanconi anemia. Last evaluated: 2022-04-04. Review status: criteria provided, single submitter. Criteria: Invitae Variant Classification Sherloc (09022015). Collection method: clinical testing. Allele origin: germline.
Comment: This sequence change replaces leucine, which is neutral and non-polar, with proline, which is neutral and non-polar, at codon 473 of the FANCA protein (p.Leu473Pro). This variant is not present in population databases (gnomAD no frequency). This variant has not been reported in the literature in individuals affected with FANCA-related conditions. Advanced modeling of protein sequence and biophysical properties (such as structural, functional, and spatial information, amino acid conservation, physicochemical variation, residue mobility, and thermodynamic stability) performed at Invitae indicates that this missense variant is expected to disrupt FANCA protein function. In summary, the available evidence is currently insufficient to determine the role of this variant in disease. Therefore, it has been classified as a Variant of Uncertain Significance.

Natera, Inc.
Classification: Uncertain significance for Fanconi anemia. Last evaluated: 2025-04-29. Review status: no assertion criteria provided. Collection method: clinical testing. Allele origin: germline. Not counted in ClinVar's aggregate classification.